The following is an entry in ClinVar:

NM_004963.4(GUCY2C):c.1309T>C (p.Phe437Leu)

Gene: GUCY2C (guanylate cyclase 2C; minus strand). Cytogenetic location: 12p12.3.
Variant type: single nucleotide variant.
Coding change: c.1309T>C on transcript NM_004963.4 (MANE Select); coding-DNA position 1309, T replaced by C.
Protein change: p.Phe437Leu; replaces phenylalanine 437 with leucine.
Molecular consequence: missense variant.
Genome position (GRCh38, 1-based): chr12:14,661,036, A>G on the plus strand (T>C on the coding strand, the complement: GUCY2C is on the minus strand). VCF-style: chr12-14661036-A-G. GRCh37 (hg19) VCF-style: chr12-14813970-A-G.
Other names: short protein forms F437L.
Identifiers: ClinVar variation 1391735 (VCV001391735.6), dbSNP rs2137053593, ClinGen allele CA383994093.

ClinVar aggregate classification (germline): Uncertain significance (1 of 4 stars; one submission).

Submission:

Labcorp Genetics (formerly Invitae), Labcorp
Classification: Uncertain significance. Last evaluated: 2025-06-16. Review status: criteria provided, single submitter. Criteria: Invitae Variant Classification Sherloc (09022015). Collection method: clinical testing. Allele origin: germline.
Comment: This sequence change replaces phenylalanine, which is neutral and non-polar, with leucine, which is neutral and non-polar, at codon 437 of the GUCY2C protein (p.Phe437Leu). This variant is not present in population databases (gnomAD no frequency). This variant has not been reported in the literature in individuals affected with GUCY2C-related conditions. ClinVar contains an entry for this variant (Variation ID: 1391735). Invitae Evidence Modeling of protein sequence and biophysical properties (such as structural, functional, and spatial information, amino acid conservation, physicochemical variation, residue mobility, and thermodynamic stability) indicates that this missense variant is not expected to disrupt GUCY2C protein function with a negative predictive value of 80%. In summary, the available evidence is currently insufficient to determine the role of this variant in disease. Therefore, it has been classified as a Variant of Uncertain Significance.